The following is an entry in ClinVar:

NM_001267550.2(TTN):c.76262C>A (p.Ser25421Ter)

Genes: TTN-AS1 (TTN antisense RNA 1; plus strand), TTN (titin; minus strand). Cytogenetic location: 2q31.2.
Variant type: single nucleotide variant.
Coding change: c.76262C>A on transcript NM_001267550.2 (MANE Select); coding-DNA position 76262, C replaced by A.
Protein change: p.Ser25421Ter; replaces serine 25421 with a stop codon.
Molecular consequence: nonsense.
Genome position (GRCh38, 1-based): chr2:178,569,870, G>T on the plus strand (C>A on the coding strand, the complement: TTN is on the minus strand). VCF-style: chr2-178569870-G-T. GRCh37 (hg19) VCF-style: chr2-179434597-G-T.
Other names: c.71339C>A, p.Ser23780Ter (NM_001256850.1); c.49067C>A, p.Ser16356Ter (NM_003319.4); c.68558C>A, p.Ser22853Ter (NM_133378.4); c.49442C>A, p.Ser16481Ter (NM_133432.3); c.49643C>A, p.Ser16548Ter (NM_133437.4); short protein forms S25421*, S16356*, S16481*, S23780*, S16548*, S22853*.
Identifiers: ClinVar variation 1518263 (VCV001518263.8), dbSNP rs1707503235, ClinGen allele CA349616240.
Genomic context (GRCh38, chr2:178,569,870, plus strand): 5'-ATGTATCCTTGAATTTCACAGCCACCATCATATATTGGTTTGCTCCAAGAAAGGAATACT[G>T]AAGATCTGGTTATGTCTATGACTTTGGGGTTGTTTGGGGGTCCTGGTTTATAAATAGGAT-3'

ClinVar aggregate classification (germline): Likely pathogenic (1 of 4 stars; one submission).

Conditions:
Dilated cardiomyopathy 1G (CMD1G). Identifiers: Orphanet 154, MedGen C1858763, MONDO:0011400, OMIM 604145.
Autosomal recessive limb-girdle muscular dystrophy type 2J (LGMDR10). Also called: Limb-girdle muscular dystrophy, type 2J; MUSCULAR DYSTROPHY, LIMB-GIRDLE, AUTOSOMAL RECESSIVE 10. Identifiers: Orphanet 140922, MedGen C1837342, MONDO:0012127, OMIM 608807.

Submission:

Labcorp Genetics (formerly Invitae), Labcorp
Classification: Likely pathogenic for Dilated cardiomyopathy 1G; Autosomal recessive limb-girdle muscular dystrophy type 2J. Last evaluated: 2024-08-22. Review status: criteria provided, single submitter. Criteria: Invitae Variant Classification Sherloc (09022015). Collection method: clinical testing. Allele origin: germline.
Comment: This sequence change creates a premature translational stop signal (p.Ser25421*) in the TTN gene. While this is not anticipated to result in nonsense mediated decay, it is expected to create a truncated TTN protein. This variant is not present in population databases (gnomAD no frequency). This variant has not been reported in the literature in individuals affected with TTN-related conditions. ClinVar contains an entry for this variant (Variation ID: 1518263). This variant is located in the A band of TTN (PMID: 25589632). Truncating variants in this region are significantly overrepresented in patients affected with dilated cardiomyopathy (PMID: 25589632). Truncating variants in this region have also been reported in individuals affected with autosomal recessive centronuclear myopathy (PMID: 23975875). In summary, the currently available evidence indicates that the variant is pathogenic, but additional data are needed to prove that conclusively. Therefore, this variant has been classified as Likely Pathogenic.

Literature cited by the submitters: PubMed 25589632; PubMed 23975875.